The following is an entry in ClinVar:

ClinVar aggregate classification (germline): Uncertain significance (1 of 4 stars; one submission).

Conditions:
Immunodeficiency, common variable, 7. Identifiers: Orphanet 1572, Orphanet 696894, MedGen C3542922, MONDO:0013862, OMIM 614699.

Submission:

Labcorp Genetics (formerly Invitae), Labcorp
Classification: Uncertain significance for Immunodeficiency, common variable, 7. Last evaluated: 2024-02-24. Review status: criteria provided, single submitter. Criteria: Invitae Variant Classification Sherloc (09022015). Collection method: clinical testing. Allele origin: germline.
Comment: This sequence change falls in intron 7 of the CR2 gene. It does not directly change the encoded amino acid sequence of the CR2 protein. This variant is not present in population databases (gnomAD no frequency). This variant has not been reported in the literature in individuals affected with CR2-related conditions. ClinVar contains an entry for this variant (Variation ID: 1997647). Algorithms developed to predict the effect of sequence changes on RNA splicing suggest that this variant may disrupt the consensus splice site. In summary, the available evidence is currently insufficient to determine the role of this variant in disease. Therefore, it has been classified as a Variant of Uncertain Significance.

NM_001006658.3(CR2):c.1403-7_1403-6del

Gene: CR2 (complement C3d receptor 2; plus strand). Cytogenetic location: 1q32.2.
Variant type: Deletion.
Coding change: c.1403-7_1403-6del on transcript NM_001006658.3 (MANE Select); 7 bases into the intron before coding-DNA position 1403 through 6 bases into the intron before coding-DNA position 1403, 2 bases deleted (TT; older notation c.1403-7_1403-6delTT).
Molecular consequence: intron variant.
Genome position (GRCh38, 1-based): chr1:207,470,990-207,470,991, TT deleted; deleting any 2 consecutive bases within chr1:207,470,988-207,470,991 gives the same sequence; the c. name uses the placement nearest the transcript's 3' end. VCF-style (leftmost placement, unchanged base first): chr1-207470987-CTT-C. GRCh37 (hg19) VCF-style: chr1-207644332-CTT-C.
Other names: c.1403-7_1403-6del (NM_001877.5).
Identifiers: ClinVar variation 1997647 (VCV001997647.4), dbSNP rs2527217939, ClinGen allele CA2580061982.